The following is an entry in ClinVar:

ClinVar aggregate classification (germline): Uncertain significance (1 of 4 stars; one submission).

Conditions:
Dyskeratosis congenita. Identifiers: Orphanet 1775, MedGen C0265965, MONDO:0015780.

Submission:

Labcorp Genetics (formerly Invitae), Labcorp
Classification: Uncertain significance for Dyskeratosis congenita. Last evaluated: 2024-01-10. Review status: criteria provided, single submitter. Criteria: Invitae Variant Classification Sherloc (09022015). Collection method: clinical testing. Allele origin: germline.
Comment: This sequence change replaces alanine, which is neutral and non-polar, with glycine, which is neutral and non-polar, at codon 384 of the CTC1 protein (p.Ala384Gly). This variant is not present in population databases (gnomAD no frequency). This variant has not been reported in the literature in individuals affected with CTC1-related conditions. ClinVar contains an entry for this variant (Variation ID: 1401772). Advanced modeling of protein sequence and biophysical properties (such as structural, functional, and spatial information, amino acid conservation, physicochemical variation, residue mobility, and thermodynamic stability) performed at Invitae indicates that this missense variant is expected to disrupt CTC1 protein function with a positive predictive value of 80%. In summary, the available evidence is currently insufficient to determine the role of this variant in disease. Therefore, it has been classified as a Variant of Uncertain Significance.

NM_025099.6(CTC1):c.1151C>G (p.Ala384Gly)

Gene: CTC1 (CST telomere replication complex component 1; minus strand). Cytogenetic location: 17p13.1.
Variant type: single nucleotide variant.
Coding change: c.1151C>G on transcript NM_025099.6 (MANE Select); coding-DNA position 1151, C replaced by G.
Protein change: p.Ala384Gly; replaces alanine 384 with glycine.
Molecular consequence: missense variant. On other transcripts: non-coding transcript variant (1).
Genome position (GRCh38, 1-based): chr17:8,235,886, G>C on the plus strand (C>G on the coding strand, the complement: CTC1 is on the minus strand). VCF-style: chr17-8235886-G-C. GRCh37 (hg19) VCF-style: chr17-8139204-G-C.
Other names: short protein forms A384G.
Identifiers: ClinVar variation 1401772 (VCV001401772.6), dbSNP rs748695989, ClinGen allele CA397986844.